The following is an entry in ClinVar:

NM_000443.4(ABCB4):c.1099A>T (p.Ile367Phe)

Gene: ABCB4 (ATP binding cassette subfamily B member 4; minus strand). Cytogenetic location: 7q21.12.
Variant type: single nucleotide variant.
Coding change: c.1099A>T on transcript NM_000443.4 (MANE Select); coding-DNA position 1099, A replaced by T.
Protein change: p.Ile367Phe; replaces isoleucine 367 with phenylalanine.
Molecular consequence: missense variant.
Genome position (GRCh38, 1-based): chr7:87,444,882, T>A on the plus strand (A>T on the coding strand, the complement: ABCB4 is on the minus strand). VCF-style: chr7-87444882-T-A. GRCh37 (hg19) VCF-style: chr7-87074198-T-A.
Other names: c.1099A>T, p.Ile367Phe (NM_018849.3, NM_018850.3); short protein forms I367F.
Identifiers: ClinVar variation 4996245 (VCV004996245.1).

ClinVar aggregate classification (germline): Uncertain significance (1 of 4 stars; one submission).

Conditions:
ABCB4-related disorder. Also called: ABCB4-related disorders; ABCB4-related condition.

Submission:

PreventionGenetics, part of Exact Sciences
Classification: Uncertain significance for ABCB4-related condition. Last evaluated: 2025-09-17. Review status: criteria provided, single submitter. Criteria: ACMG Guidelines, 2015. Collection method: clinical testing. Allele origin: germline.
Comment: The ABCB4 c.1099A>T variant is predicted to result in the amino acid substitution p.Ile367Phe. To our knowledge, this variant has not been reported in the literature or in a large population database (gnomAD), indicating this variant is rare. At this time, the clinical significance of this variant is uncertain due to the absence of conclusive functional and genetic evidence.